The following is an entry in ClinVar:

NM_000143.4(FH):c.210C>T (p.Ala70=)

Gene: FH (fumarate hydratase; minus strand). Cytogenetic location: 1q43.
Variant type: single nucleotide variant.
Coding change: c.210C>T on transcript NM_000143.4 (MANE Select); coding-DNA position 210, C replaced by T.
Protein change: p.Ala70=; no amino-acid change (alanine 70 retained).
Molecular consequence: synonymous variant.
Genome position (GRCh38, 1-based): chr1:241,517,239, G>A on the plus strand (C>T on the coding strand, the complement: FH is on the minus strand). VCF-style: chr1-241517239-G-A. GRCh37 (hg19) VCF-style: chr1-241680539-G-A.
Identifiers: ClinVar variation 697604 (VCV000697604.14), dbSNP rs1573888428, ClinGen allele CA424076590.
Genomic context (GRCh38, chr1:241,517,239, plus strand): 5'-TACTGGCATGCGTTCTGTCACACCTCCAATCTTAAAGTTCATCGTAGATCTCACGGTCTG[G>A]GCGCCATAATACTTATCATTTGGCACCTTTAGTTCACCAAAGGTATCATATTCTATCCGG-3'
Protein context (NP_000134.2, residues 60-80): LKVPNDKYYG[Ala70=]QTVRSTMNFK

ClinVar aggregate classification (germline): Benign/Likely benign. Review status: criteria provided, multiple submitters, no conflicts (2 of 4 stars). 3 submissions from 3 submitters: Benign (1); Likely benign (2). Last evaluated 2025-12-26.

Conditions:
Hereditary cancer-predisposing syndrome. Also called: Neoplastic Syndromes, Hereditary; Hereditary Cancer Syndrome; Hereditary neoplastic syndrome; Tumor predisposition. Identifiers: Orphanet 140162, MedGen C0027672, MeSH D009386, MONDO:0015356.
Hereditary leiomyomatosis and renal cell cancer. Also called: Familial leiomyomatosis; Reed syndrome; Multiple cutaneous and uterine leiomyomatosis; Cutaneous leiomyomata with uterine leiomyomata; Leiomyoma, hereditary multiple, of skin; Multiple cutaneous and uterine leiomyomata. Identifiers: Orphanet 523, MedGen C1708350, MONDO:0007888, OMIM 150800, HP:0007437. Disease mechanism: loss of function.

Allele frequency attached by ClinVar (database versions not stated): gnomAD 0.00001.

Submissions (3):

Labcorp Genetics (formerly Invitae), Labcorp
Classification: Likely benign. Last evaluated: 2025-12-26. Review status: criteria provided, single submitter. Criteria: Invitae Variant Classification Sherloc (09022015). Collection method: clinical testing. Allele origin: germline.

Myriad Genetics, Inc.
Classification: Benign for Hereditary leiomyomatosis and renal cell cancer. Last evaluated: 2024-10-17. Review status: criteria provided, single submitter. Criteria: Myriad Autosomal Dominant, Autosomal Recessive and X-Linked Classification Criteria (2023). Collection method: clinical testing. Allele origin: unknown.
Comment: This variant is considered benign. This variant is a silent/synonymous amino acid change and it is not expected to impact splicing.

Ambry Genetics
Classification: Likely benign for Hereditary cancer-predisposing syndrome. Last evaluated: 2020-11-12. Review status: criteria provided, single submitter. Criteria: Ambry Variant Classification Scheme 2023. Collection method: clinical testing. Allele origin: germline.